The following is an entry in ClinVar:

NM_004415.4(DSP):c.8130A>G (p.Ala2710=)

Gene: DSP (desmoplakin; plus strand). Cytogenetic location: 6p24.3.
Variant type: single nucleotide variant.
Coding change: c.8130A>G on transcript NM_004415.4 (MANE Select); coding-DNA position 8130, A replaced by G.
Protein change: p.Ala2710=; no amino-acid change (alanine 2710 retained).
Molecular consequence: synonymous variant.
Genome position (GRCh38, 1-based): chr6:7,585,392, A>G. VCF-style: chr6-7585392-A-G. GRCh37 (hg19) VCF-style: chr6-7585625-A-G.
Other names: c.6333A>G, p.Ala2111= (NM_001008844.3); c.6801A>G, p.Ala2267= (NM_001319034.2).
Identifiers: ClinVar variation 1590219 (VCV001590219.12), dbSNP rs1440748149, ClinGen allele CA448717115.

ClinVar aggregate classification (germline): Likely benign. Review status: criteria provided, multiple submitters, no conflicts (2 of 4 stars). 4 submissions from 4 submitters: Likely benign (4). Last evaluated 2024-04-08.

Conditions:
Cardiomyopathy (CMYO). Also called: Cardiomyopathies. Identifiers: Orphanet 167848, MedGen C0878544, MONDO:0004994, HP:0001638. Inheritance: Various modes of inheritance.
Arrhythmogenic right ventricular dysplasia 8 (ARVD8). Also called: ARRHYTHMOGENIC RIGHT VENTRICULAR DYSPLASIA, FAMILIAL, 8; ARRHYTHMOGENIC RIGHT VENTRICULAR CARDIOMYOPATHY 8; Arrhythmogenic Right Ventricular Dysplasia/Cardiomyopathy 8. Identifiers: MedGen C1843896, MONDO:0011831, OMIM 607450.
Arrhythmogenic cardiomyopathy with wooly hair and keratoderma. Also called: Dilated cardiomyopathy with woolly hair and keratoderma; Carvajal syndrome; Arrhythmogenic cardiomyopathy with woolly hair and keratoderma; PALMOPLANTAR KERATODERMA WITH LEFT VENTRICULAR CARDIOMYOPATHY AND WOOLLY HAIR. Identifiers: Orphanet 65282, MedGen C1854063, MONDO:0011581, OMIM 605676.

Allele frequency attached by ClinVar (database versions not stated): gnomAD exomes below 0.00001; TOPMed below 0.00001.
gnomAD v4.1: 3 of 1,614,214 alleles (0.00019%); highest among the groups gnomAD compares: Middle Eastern, 0.016%; no homozygotes.

Submissions (4):

Labcorp Genetics (formerly Invitae), Labcorp
Classification: Likely benign for Arrhythmogenic cardiomyopathy with wooly hair and keratoderma; Arrhythmogenic right ventricular dysplasia 8. Last evaluated: 2024-04-08. Review status: criteria provided, single submitter. Criteria: Invitae Variant Classification Sherloc (09022015). Collection method: clinical testing. Allele origin: germline.

Blueprint Genetics
Classification: Likely benign. Last evaluated: 2023-11-17. Review status: criteria provided, single submitter. Criteria: ACMG Guidelines, 2015. Collection method: clinical testing. Allele origin: germline.

All of Us Research Program, National Institutes of Health
Classification: Likely benign for Arrhythmogenic cardiomyopathy with wooly hair and keratoderma. Last evaluated: 2023-05-04. Review status: criteria provided, single submitter. Criteria: ACMG Guidelines, 2015. Collection method: clinical testing. Allele origin: germline. Inheritance: Autosomal dominant inheritance. Observed: 1 variant allele, 1 heterozygote.
Comment: This study involves interpretation of variants in research participants for the purpose of population health screening. Participant phenotype was not available at the time of variant classification. Additional details can be found in publication PMID: 35346344, PMCID: PMC8962531

Color Diagnostics, LLC DBA Color Health
Classification: Likely benign for Cardiomyopathy. Last evaluated: 2021-12-07. Review status: criteria provided, single submitter. Criteria: ACMG Guidelines, 2015. Collection method: clinical testing. Allele origin: germline.